The following is an entry in ClinVar:

ClinVar aggregate classification (germline): Uncertain significance (1 of 4 stars; one submission).

Submission:

GeneDx
Classification: Uncertain significance. Last evaluated: 2024-05-23. Review status: criteria provided, single submitter. Criteria: GeneDx Variant Classification Process June 2021. Collection method: clinical testing. Allele origin: germline. Affected: yes.
Comment: Not observed at significant frequency in large population cohorts (gnomAD); In silico analysis supports that this missense variant has a deleterious effect on protein structure/function; Has not been previously published as pathogenic or benign to our knowledge

NM_003107.3(SOX4):c.1405A>T (p.Asn469Tyr)

Gene: SOX4 (SRY-box transcription factor 4; plus strand). Cytogenetic location: 6p22.3.
Variant type: single nucleotide variant.
Coding change: c.1405A>T on transcript NM_003107.3 (MANE Select); coding-DNA position 1405, A replaced by T.
Protein change: p.Asn469Tyr; replaces asparagine 469 with tyrosine.
Molecular consequence: missense variant.
Genome position (GRCh38, 1-based): chr6:21,595,939, A>T. VCF-style: chr6-21595939-A-T. GRCh37 (hg19) VCF-style: chr6-21596170-A-T.
Other names: short protein forms N469Y.
Identifiers: ClinVar variation 3381329 (VCV003381329.1).
Genomic context (GRCh38, chr6:21,595,939, plus strand): 5'-TACTGCACGCCCGAGGTGAGCGAGATGATCTCGGGAGACTGGCTCGAGTCCAGCATCTCC[A>T]ACCTGGTTTTCACCTACTGAAGGGCGCGCAGGCAGGGAGAAGGGCCGGGGGGGGTAGGAG-3'
Protein context (NP_003098.1, residues 459-474): SGDWLESSIS[Asn469Tyr]LVFTY